The following is an entry in ClinVar:

NM_006206.6(PDGFRA):c.1631_1632delinsGT (p.Val544Gly)

Gene: PDGFRA (platelet derived growth factor receptor alpha; plus strand). Cytogenetic location: 4q12.
Variant type: Indel.
Coding change: c.1631_1632delinsGT on transcript NM_006206.6 (MANE Select); coding-DNA positions 1631 to 1632, TC replaced by GT.
Protein change: p.Val544Gly; replaces valine 544 with glycine.
Molecular consequence: missense variant.
Genome position (GRCh38, 1-based): chr4:54,274,603-54,274,604, TC replaced by GT. VCF-style: chr4-54274603-TC-GT. GRCh37 (hg19) VCF-style: chr4-55140770-TC-GT.
Other names: c.1631_1632delinsGT (NM_006206.4); c.1631_1632delinsGT, p.Val544Gly (NM_001347827.2, NM_001347829.2); c.1706_1707delinsGT, p.Val569Gly (NM_001347828.2); c.1670_1671delinsGT, p.Val557Gly (NM_001347830.2); short protein forms V557G, V569G, V544G.
Identifiers: ClinVar variation 528613 (VCV000528613.12), dbSNP rs1553904374, ClinGen allele CA658796434.

ClinVar aggregate classification (germline): Uncertain significance. Review status: criteria provided, multiple submitters, no conflicts (2 of 4 stars). 2 submissions from 2 submitters: Uncertain significance (2). Last evaluated 2025-10-09.

Conditions:
Gastrointestinal stromal tumor. Also called: Gastrointestinal stroma tumor; Gastrointestinal stromal tumor, somatic. Identifiers: Orphanet 44890, MedGen C0238198, MeSH D046152, MONDO:0011719, OMIM 606764, HP:0100723.
Hereditary cancer-predisposing syndrome. Also called: Tumor predisposition; Hereditary neoplastic syndrome; Hereditary Cancer Syndrome; Neoplastic Syndromes, Hereditary. Identifiers: Orphanet 140162, MedGen C0027672, MeSH D009386, MONDO:0015356.

Submissions (2):

Labcorp Genetics (formerly Invitae), Labcorp
Classification: Uncertain significance for Gastrointestinal stromal tumor. Last evaluated: 2025-10-09. Review status: criteria provided, single submitter. Criteria: Invitae Variant Classification Sherloc (09022015). Collection method: clinical testing. Allele origin: germline.
Comment: This sequence change replaces valine, which is neutral and non-polar, with glycine, which is neutral and non-polar, at codon 544 of the PDGFRA protein (p.Val544Gly). The frequency data for this variant in the population databases is considered unreliable, as metrics indicate poor data quality at this position in the gnomAD database. This variant has not been reported in the literature in individuals affected with PDGFRA-related conditions. ClinVar contains an entry for this variant (Variation ID: 528613). An algorithm developed to predict the effect of missense changes on protein structure and function (PolyPhen-2) suggests that this variant is likely to be disruptive. In summary, the available evidence is currently insufficient to determine the role of this variant in disease. Therefore, it has been classified as a Variant of Uncertain Significance.

Ambry Genetics
Classification: Uncertain significance for Hereditary cancer-predisposing syndrome. Last evaluated: 2024-12-23. Review status: criteria provided, single submitter. Criteria: Ambry Variant Classification Scheme 2023. Collection method: clinical testing. Allele origin: germline.
Comment: The c.1631_1632delTCinsGT variant (also known as p.V544G), located in coding exon 10 of the PDGFRA gene, results from an in-frame deletion of TC and insertion of GT at nucleotide positions 1631 to 1632. This results in the substitution of the valine residue for a glycine residue at codon 544, an amino acid with dissimilar properties. This amino acid position is not well conserved in available vertebrate species. In addition, the in silico prediction for this alteration is inconclusive. Based on the available evidence, the clinical significance of this variant remains unclear.